The following is an entry in ClinVar:

ClinVar aggregate classification (germline): Pathogenic. Review status: criteria provided, multiple submitters, no conflicts (2 of 4 stars). 3 submissions from 3 submitters: Pathogenic (3). Last evaluated 2025-01-01.

Conditions:
OCA2-related disorder. Also called: OCA2-related condition.
Tyrosinase-positive oculocutaneous albinism (OCA2). Also called: ALBINISM II; Oculocutaneous albinism type 2; Albinism, oculocutaneous, type II. Identifiers: Orphanet 79432, MedGen C0268495, MONDO:0008746, OMIM 203200.
SKIN/HAIR/EYE PIGMENTATION 1, BLUE/NONBLUE EYES (SHEP1). Also called: BROWN EYE COLOR 2; EYE COLOR 3; EYE COLOR, BLUE/NONBLUE; EYE COLOR, BROWN/BLUE; SKIN/HAIR/EYE PIGMENTATION 1, BLOND/BROWN HAIR; SKIN/HAIR/EYE PIGMENTATION 1, BLUE/BROWN EYES. Identifiers: MedGen C1856895, OMIM 227220.

Allele frequency attached by ClinVar (database versions not stated): gnomAD exomes below 0.00001; ExAC 0.00001; gnomAD 0.00001; 1000 Genomes Project 30x 0.00016; 1000 Genomes Project 0.00020.
gnomAD v4.1: 2 of 1,612,618 alleles (0.00012%); highest among the groups gnomAD compares: Non-Finnish European, 0.00017%; no homozygotes.

Submissions (3):

Laboratory of Genetic Epidemiology, Research Centre for Medical Genetics
Classification: Pathogenic for SKIN/HAIR/EYE PIGMENTATION 1, BLUE/NONBLUE EYES; Tyrosinase-positive oculocutaneous albinism. Last evaluated: 2025-01-01. Review status: criteria provided, single submitter. Criteria: ACMG Guidelines, 2015. Collection method: clinical testing. Allele origin: biparental. Inheritance: Autosomal recessive inheritance. Affected: yes. Observed: 1 homozygote.
Comment: The variant is listed in gnomAD v3.1.2 0.00002 in Europe (2/68018). The variant leads to affect donor splicing site (donor loss with score 1.00 by SpliceAi predictor). Taken together, the variant meets the following ACMG/AMP criteria and can be classified as pathogenic with PM2, PVS1, PM3, PP4 criteria.

Blueprint Genetics
Classification: Pathogenic for OCA2-related disorders. Last evaluated: 2022-10-19. Review status: criteria provided, single submitter. Criteria: ACMG Guidelines, 2015. Collection method: clinical testing. Allele origin: germline. Affected: yes. Observed: 1 variant allele.

Science and Research Branch, Islamic Azad University, Islamic Azad University
Classification: Pathogenic for OCA2. Last evaluated: 2015-05-10. Review status: criteria provided, single submitter. Criteria: Submitter's publication. Collection method: clinical testing. Allele origin: germline. Affected: yes. Observed: 1 variant allele.

Literature cited by the submitters: PubMed 41428507 (cited by Laboratory of Genetic Epidemiology, Research Centre for Medical Genetics); PubMed 26818737 (cited by Science and Research Branch, Islamic Azad University, Islamic Azad University).

NM_000275.3(OCA2):c.1044+1G>T

Gene: OCA2 (OCA2 melanosomal transmembrane protein; minus strand). Cytogenetic location: 15q13.1.
Variant type: single nucleotide variant.
Coding change: c.1044+1G>T on transcript NM_000275.3 (MANE Select); the canonical splice donor site of the intron after coding-DNA position 1044, G replaced by T.
Molecular consequence: splice donor variant.
Genome position (GRCh38, 1-based): chr15:28,014,775, C>A on the plus strand (G>T on the coding strand, the complement: OCA2 is on the minus strand). VCF-style: chr15-28014775-C-A. GRCh37 (hg19) VCF-style: chr15-28259921-C-A.
Other names: c.1044+1G>T (NM_001300984.2).
Identifiers: ClinVar variation 209970 (VCV000209970.3), dbSNP rs185504549, ClinGen allele CA7439253.